The following is an entry in ClinVar:

ClinVar aggregate classification (germline): Likely pathogenic (1 of 4 stars; one submission).

Conditions:
Long QT syndrome (LQTS). Identifiers: MedGen C0023976, MeSH D008133, MONDO:0002442. Disease mechanism: loss of function. Inheritance: Various modes of inheritance.

Submission:

Labcorp Genetics (formerly Invitae), Labcorp
Classification: Likely pathogenic for Long QT syndrome. Last evaluated: 2018-07-03. Review status: criteria provided, single submitter. Criteria: Invitae Variant Classification Sherloc (09022015). Collection method: clinical testing. Allele origin: germline.
Comment: This variant results in a copy number gain of the genomic region encompassing exons 6-13 of the KCNH2 gene (c.1129-832_3108dup).Â¬â€ The duplicated copy of this region is in tandem and results in an absent or disrupted protein product. This variant has not been reported in the literature in individuals with KCNH2-related disease. Loss-of-function variants in KCNH2 are known to be pathogenic (PMID: 19862833). In summary, the currently available evidence indicates that the variant is pathogenic, but additional data are needed to prove that conclusively. Therefore, this variant has been classified as Likely Pathogenic.

NM_000238.4(KCNH2):c.1129-831_3109dup

Gene: KCNH2 (potassium voltage-gated channel subfamily H member 2; minus strand). Cytogenetic location: 7q36.1.
Variant type: Duplication.
Coding change: c.1129-831_3109dup on transcript NM_000238.4 (MANE Select); 831 bases into the intron before coding-DNA position 1129 through coding-DNA position 3109, 6,314 bases duplicated.
Molecular consequence: splice acceptor variant, splice donor variant.
Genome position (GRCh38, 1-based): chr7:150,947,371-150,953,684, 6,314 bases duplicated. GRCh37 (hg19): chr7:150,644,460-150,650,773.
Other names: c.109-831_2089dup (NM_172057.3).
Identifiers: ClinVar variation 570715 (VCV000570715.1).